The following is an entry in ClinVar:

ClinVar aggregate classification (germline): Benign. Review status: criteria provided, multiple submitters, no conflicts (2 of 4 stars). 4 submissions from 4 submitters: Benign (4). Last evaluated 2026-01-06.

Allele frequency attached by ClinVar (database versions not stated): ESP Exome Variant Server 0.01160; 1000 Genomes Project 0.01278; 1000 Genomes Project 30x 0.01296; gnomAD 0.01350 and 0.01432; TOPMed 0.01477; gnomAD exomes 0.00142 and 0.00379; ExAC 0.00658.
gnomAD v4.1: 4,099 of 1,550,142 alleles (0.26%); highest among the groups gnomAD compares: African/African-American, 4.9%; 89 homozygotes.

Submissions (7):

Labcorp Genetics (formerly Invitae), Labcorp
Classification: Benign. Last evaluated: 2026-01-06. Review status: criteria provided, single submitter. Criteria: Invitae Variant Classification Sherloc (09022015). Collection method: clinical testing. Allele origin: germline.

Mayo Clinic Laboratories, Mayo Clinic
Classification: Benign. Last evaluated: 2023-04-04. Review status: criteria provided, single submitter. Criteria: ACMG Guidelines, 2015. Collection method: clinical testing. Allele origin: germline. Observed: 5 variant alleles.
Comment: BS1, BS2

GeneDx
Classification: Benign. Last evaluated: 2021-03-31. Review status: criteria provided, single submitter. Criteria: GeneDx Variant Classification Process June 2021. Collection method: clinical testing. Allele origin: germline. Affected: yes.

Breakthrough Genomics
Classification: Benign. Review status: criteria provided, single submitter. Criteria: ACMG Guidelines, 2015. Collection method: not provided. Allele origin: germline. Inheritance: Unknown mechanism. Affected: yes.

Dr. Peter K. Rogan Lab, Western University
No classification provided (evidence only). Condition: Clear cell carcinoma of kidney. Review status: no classification provided. Collection method: in vitro. Allele origin: not applicable. Functional consequence: retained intron. Not counted in ClinVar's aggregate classification.

Dr. Peter K. Rogan Lab, Western University
No classification provided (evidence only). Condition: Lung cancer. Review status: no classification provided. Collection method: in vitro. Allele origin: not applicable. Functional consequence: skipped exon, retained intron. Not counted in ClinVar's aggregate classification.

Dr. Peter K. Rogan Lab, Western University
No classification provided (evidence only). Condition: Lung cancer. Review status: no classification provided. Collection method: in vitro. Allele origin: not applicable. Functional consequence: retained intron. Not counted in ClinVar's aggregate classification.

NM_005245.4(FAT1):c.4813A>G (p.Asn1605Asp)

Genes: FAT1 (FAT atypical cadherin 1; minus strand), LOC132090718 (Neanderthal introgressed variant-containing enhancer experimental_76848; plus strand). Cytogenetic location: 4q35.2.
Variant type: single nucleotide variant.
Coding change: c.4813A>G on transcript NM_005245.4 (MANE Select); coding-DNA position 4813, A replaced by G.
Protein change: p.Asn1605Asp; replaces asparagine 1605 with aspartic acid.
Molecular consequence: missense variant.
Genome position (GRCh38, 1-based): chr4:186,621,773, T>C on the plus strand (A>G on the coding strand, the complement: FAT1 is on the minus strand). VCF-style: chr4-186621773-T-C. GRCh37 (hg19) VCF-style: chr4-187542927-T-C.
Other names: p.Asn1605Asp; short protein forms N1605D.
Identifiers: ClinVar variation 778168 (VCV000778168.14), dbSNP rs6836935, ClinGen allele CA3166584.